The following is an entry in ClinVar:

ClinVar aggregate classification (germline): Pathogenic. Review status: criteria provided, multiple submitters, no conflicts (2 of 4 stars). 17 submissions from 17 submitters: Pathogenic (15). 2 of the submissions do not count toward it. Last evaluated 2026-05-07.

Conditions:
PKD2-related disorder. Also called: PKD2-related condition.
Autosomal dominant polycystic kidney disease. Identifiers: Orphanet 730, MedGen C0085413, MONDO:0004691.
Polycystic kidney disease 2 (PKD2). Also called: POLYCYSTIC KIDNEY DISEASE, ADULT, TYPE II; Polycystic Kidney Disease 2, Autosomal Dominant; POLYCYSTIC KIDNEY DISEASE 2 WITH OR WITHOUT POLYCYSTIC LIVER DISEASE. Identifiers: MedGen C2751306, MONDO:0013131, OMIM 613095.
Polycystic kidney disease. Also called: Kidney, Polycystic; Polycystic kidney dysplasia. Identifiers: MedGen C0022680, MeSH D007690, MONDO:0020642, HP:0000113.
Renal cyst. Also called: Renal cysts; Cystic kidney disease; cystic kidneys. Identifiers: MedGen C3887499, MONDO:0002473, HP:0000107.

Allele frequency attached by ClinVar (database versions not stated): TOPMed below 0.00001; gnomAD 0.00001.
gnomAD v4.1: 3 of 1,613,668 alleles (0.00019%); highest among the groups gnomAD compares: Non-Finnish European, 0.00025%; no homozygotes.

Submissions 1 to 12 of 18:

Department of Molecular Genetics, Istishari Arab Hospital
Classification: Pathogenic for Polycystic kidney disease 2. Last evaluated: 2026-05-07. Review status: criteria provided, single submitter. Criteria: ACMG Guidelines, 2015. Collection method: clinical testing. Allele origin: germline. Inheritance: Autosomal dominant inheritance. Affected: yes.
Comment: The PKD2 variant c.1094+1G>A is predicted to disrupt the highly conserved canonical donor splice-site. This variant is observed with very low frequency in the gnomAD v4.1.0 dataset (<0.001). Disruption of this splice site has been observed in individuals with autosomal dominant polycystic kidney disease (PMID: 17100995, 22508176, 23300259, 27366664). It is classified as pathogenic based on ACMG/AMP/ClinGen SVI guidelines.

PreventionGenetics, part of Exact Sciences
Classification: Pathogenic for PKD2-related condition. Last evaluated: 2026-04-07. Review status: criteria provided, single submitter. Criteria: ACMG Guidelines, 2015. Collection method: clinical testing. Allele origin: germline.
Comment: The PKD2 c.1094+1G>A variant is predicted to disrupt the GT donor site and interfere with normal splicing. This variant has been reported in individuals with autosomal dominant polycystic kidney disease (ADPKD) (see for example, Chung et al. 2006. PubMed ID: 17100995; Entezam et al. 2016. PubMed ID: 27366664; Table S3, Rao et al. 2019. PubMed ID: 31328266; Supplementary Table 3, Benson et al. 2021. PubMed ID: 33454723). This variant has not been reported in a large population database (gnomAD), indicating this variant is rare. Variants that disrupt the consensus splice donor site in PKD2 are expected to be pathogenic. This variant is interpreted as pathogenic.

Labcorp Genetics (formerly Invitae), Labcorp
Classification: Pathogenic for Autosomal dominant polycystic kidney disease. Last evaluated: 2025-11-03. Review status: criteria provided, single submitter. Criteria: Invitae Variant Classification Sherloc (09022015). Collection method: clinical testing. Allele origin: germline.
Comment: This sequence change affects a donor splice site in intron 4 of the PKD2 gene. It is expected to disrupt RNA splicing. Variants that disrupt the donor or acceptor splice site typically lead to a loss of protein function (PMID: 16199547), and loss-of-function variants in PKD2 are known to be pathogenic (PMID: 17582161, 22863349). This variant is not present in population databases (gnomAD no frequency). Disruption of this splice site has been observed in individuals with autosomal dominant polycystic kidney disease (PMID: 17100995, 22508176, 23300259, 27366664). ClinVar contains an entry for this variant (Variation ID: 280008). Algorithms developed to predict the effect of sequence changes on RNA splicing suggest that this variant may disrupt the consensus splice site. For these reasons, this variant has been classified as Pathogenic.

Victorian Clinical Genetics Services, Murdoch Childrens Research Institute
Classification: Pathogenic for Polycystic kidney disease 2. Last evaluated: 2025-09-18. Review status: criteria provided, single submitter. Criteria: ACMG Guidelines, 2015. Collection method: clinical testing. Allele origin: germline. Affected: yes.
Comment: This variant is classified as Pathogenic. Evidence in support of pathogenic classification: Canonical splice site variant without proven consequence on splicing (no functional evidence available); Variant is present in gnomAD <0.001 for a dominant condition (v4: 3 heterozygote(s), 0 homozygote(s)); This variant has very strong previous evidence of pathogenicity in unrelated individuals. It has been classified as pathogenic by clinical laboratories in ClinVar, and reported in the literature in individuals with ADPKD (PMID: 17100995). Additional information: This variant is heterozygous; This gene is associated with autosomal dominant disease; Alternative nucleotide change(s) at the same canonical splice site are present in gnomAD (Highest allele count: v4: 1 heterozygote(s), 0 homozygote(s)); Loss of function is a known mechanism of disease in this gene and is associated with polycystic kidney disease 2 (MIM#613095); Inheritance information for this variant is not currently available in this individual.

GeneDx
Classification: Pathogenic. Last evaluated: 2025-06-18. Review status: criteria provided, single submitter. Criteria: GeneDx Variant Classification Process June 2021. Collection method: clinical testing. Allele origin: germline. Affected: yes.
Comment: Canonical splice site variant predicted to result in a null allele in a gene for which loss of function is a known mechanism of disease; Not observed at significant frequency in large population cohorts (gnomAD); This variant is associated with the following publications: (PMID: 22863349, 27366664, 22508176, 31514750, 25525159, 33454723, 35325889, 36938073, 31328266, 35778421, 17100995, 38527221, 38523675, 39019822, 39951171)

Women's Health and Genetics/Laboratory Corporation of America, LabCorp
Classification: Pathogenic for Polycystic kidney disease 2. Last evaluated: 2025-03-21. Review status: criteria provided, single submitter. Criteria: LabCorp Variant Classification Summary - May 2015. Collection method: clinical testing. Allele origin: germline.
Comment: Variant summary: PKD2 c.1094+1G>A is located in a canonical splice-site and is predicted to affect mRNA splicing resulting in a significantly altered protein due to either exon skipping, shortening, or inclusion of intronic material. Variants that disrupt the consensus splice site are a relatively common cause of aberrant splicing and loss of PKD2 function. Several computational tools predict a significant impact on normal splicing: Four predict the variant abolishes a canonical 5' splicing donor site. However, these predictions have yet to be confirmed by functional studies. The variant was absent in 251000 control chromosomes. c.1094+1G>A has been reported in the literature in individuals affected with Polycystic Kidney Disease 2 (example: Entezam_2016). These data indicate that the variant is likely to be associated with disease. The following publication has been ascertained in the context of this evaluation (PMID: 27366664 ). ClinVar contains an entry for this variant (Variation ID: 280008). Based on the evidence outlined above, the variant was classified as pathogenic.

Department of Human Genetics, Hannover Medical School
Classification: Pathogenic for Polycystic kidney disease 2. Last evaluated: 2024-08-09. Review status: criteria provided, single submitter. Criteria: ACMG Guidelines, 2015. Collection method: clinical testing. Allele origin: germline. Inheritance: Autosomal dominant inheritance. Affected: yes.

Fulgent Genetics
Classification: Pathogenic for Polycystic kidney disease 2. Last evaluated: 2024-06-12. Review status: criteria provided, single submitter. Criteria: ACMG Guidelines, 2015. Collection method: clinical testing. Allele origin: germline.

Mayo Clinic Laboratories, Mayo Clinic
Classification: Pathogenic. Last evaluated: 2024-02-26. Review status: criteria provided, single submitter. Criteria: ACMG Guidelines, 2015. Collection method: clinical testing. Allele origin: germline. Observed: 1 variant allele.
Comment: PM2, PS4_moderate, PVS1

Neuberg Centre For Genomic Medicine, NCGM
Classification: Pathogenic for Polycystic kidney disease 2. Last evaluated: 2023-07-22. Review status: criteria provided, single submitter. Criteria: ACMG Guidelines, 2015. Collection method: clinical testing. Allele origin: germline. Inheritance: Autosomal dominant inheritance. Affected: yes.
Comment: The observed invariant splice donor c.1094+1G>A variant in PKD2 gene has been reported previously in multiple individuals affected with polycystic kidney disease Chung et al., 2007; Entezam et al., 2016; Yu et al., 2022. It has also been observed to segregate with disease in related individuals Chung et al., 2007; Entezam et al., 2016. The c.1094+1G>A variant is absent in gnomAD Exomes. This variant has been submitted to the ClinVar database as Pathogenic multiple submissions. The SpliceAI predicts a score of 0.94 for this variant. Loss of function variants in PKD2 gene have been previously reported to be disease causing Boucher and Sandford, 2004. For these reasons, this variant has been classified as Pathogenic.

Blueprint Genetics
Classification: Pathogenic for PKD2-related disorders. Last evaluated: 2023-04-18. Review status: criteria provided, single submitter. Criteria: ACMG Guidelines, 2015. Collection method: clinical testing. Allele origin: germline. Affected: yes. Observed: 4 variant alleles.

Athena Diagnostics
Classification: Pathogenic. Last evaluated: 2021-02-26. Review status: criteria provided, single submitter. Criteria: Athena Diagnostics criteria. Collection method: clinical testing. Allele origin: unknown.
Comment: This variant is expected to severely impact normal RNA splicing, and consequently, protein structure and/or function. This variant has not been reported in large, multi-ethnic general populations. This variant has been identified in at least one individual with clinical features associated with this gene.

NM_000297.4(PKD2):c.1094+1G>A

Gene: PKD2 (polycystin 2, transient receptor potential cation channel; plus strand). Cytogenetic location: 4q22.1.
Variant type: single nucleotide variant.
Coding change: c.1094+1G>A on transcript NM_000297.4 (MANE Select); the canonical splice donor site of the intron after coding-DNA position 1094, G replaced by A.
Molecular consequence: splice donor variant.
Genome position (GRCh38, 1-based): chr4:88,038,502, G>A. VCF-style: chr4-88038502-G-A. GRCh37 (hg19) VCF-style: chr4-88959654-G-A.
Identifiers: ClinVar variation 280008 (VCV000280008.29), dbSNP rs58606740, ClinGen allele CA10602942.
Genomic context (GRCh38, chr4:88,038,502, plus strand): 5'-TGATGTCTACTCTGTCAGTAGTGAAGATAGGGCTCCCTTTGGGCCCCGAAATGGAACCGC[G>A]TAAGTGTCTGTGACTCATTGCCACTCGGTGATATTCATTCATTTATTCTCTGAACTCCCA-3'